The following is an entry in ClinVar:

ClinVar aggregate classification (germline): Uncertain significance. Review status: criteria provided, multiple submitters, no conflicts (2 of 4 stars). 2 submissions from 2 submitters: Uncertain significance (2). Last evaluated 2025-04-07.

Conditions:
Hereditary pancreatitis (PCTT). Also called: Hereditary chronic pancreatitis; PRSS1-Related Hereditary Pancreatitis. Identifiers: Orphanet 676, MedGen C0238339, MONDO:0008185, OMIM 167800.

Submissions (2):

Labcorp Genetics (formerly Invitae), Labcorp
Classification: Uncertain significance for Hereditary pancreatitis. Last evaluated: 2025-04-07. Review status: criteria provided, single submitter. Criteria: Invitae Variant Classification Sherloc (09022015). Collection method: clinical testing. Allele origin: germline.
Comment: This sequence change replaces threonine, which is neutral and polar, with alanine, which is neutral and non-polar, at codon 106 of the CTRC protein (p.Thr106Ala). This variant is not present in population databases (gnomAD no frequency). This variant has not been reported in the literature in individuals affected with CTRC-related conditions. ClinVar contains an entry for this variant (Variation ID: 1728404). Invitae Evidence Modeling of protein sequence and biophysical properties (such as structural, functional, and spatial information, amino acid conservation, physicochemical variation, residue mobility, and thermodynamic stability) indicates that this missense variant is not expected to disrupt CTRC protein function with a negative predictive value of 95%. In summary, the available evidence is currently insufficient to determine the role of this variant in disease. Therefore, it has been classified as a Variant of Uncertain Significance.

Ambry Genetics
Classification: Uncertain significance for Hereditary pancreatitis. Last evaluated: 2022-09-18. Review status: criteria provided, single submitter. Criteria: Ambry Variant Classification Scheme 2023. Collection method: clinical testing. Allele origin: germline.
Comment: The p.T106A variant (also known as c.316A>G), located in coding exon 4 of the CTRC gene, results from an A to G substitution at nucleotide position 316. The threonine at codon 106 is replaced by alanine, an amino acid with similar properties. This amino acid position is conserved. In addition, this alteration is predicted to be tolerated by in silico analysis. Since supporting evidence is limited at this time, the clinical significance of this alteration remains unclear.

NM_007272.3(CTRC):c.316A>G (p.Thr106Ala)

Gene: CTRC (chymotrypsin C; plus strand). Cytogenetic location: 1p36.21.
Variant type: single nucleotide variant.
Coding change: c.316A>G on transcript NM_007272.3 (MANE Select); coding-DNA position 316, A replaced by G.
Protein change: p.Thr106Ala; replaces threonine 106 with alanine.
Molecular consequence: missense variant.
Genome position (GRCh38, 1-based): chr1:15,442,532, A>G. VCF-style: chr1-15442532-A-G. GRCh37 (hg19) VCF-style: chr1-15769028-A-G.
Other names: short protein forms T106A.
Identifiers: ClinVar variation 1728404 (VCV001728404.4), dbSNP rs1570783682, ClinGen allele CA338565559.